The following is an entry in ClinVar:

ClinVar aggregate classification (germline): Uncertain significance (1 of 4 stars; one submission).

Conditions:
Neurofibromatosis, type 1 (NF1). Also called: VON RECKLINGHAUSEN DISEASE; Peripheral type neurofibromatosis; Neurofibromatosis, type I; NEUROFIBROMATOSIS, TYPE I, SOMATIC. Identifiers: Orphanet 636, MedGen C0027831, MONDO:0018975, OMIM 162200. Disease mechanism: loss of function.

Submission:

Labcorp Genetics (formerly Invitae), Labcorp
Classification: Uncertain significance for Neurofibromatosis, type 1. Last evaluated: 2022-03-08. Review status: criteria provided, single submitter. Criteria: Invitae Variant Classification Sherloc (09022015). Collection method: clinical testing. Allele origin: germline.
Comment: Advanced modeling of protein sequence and biophysical properties (such as structural, functional, and spatial information, amino acid conservation, physicochemical variation, residue mobility, and thermodynamic stability) performed at Invitae indicates that this missense variant is expected to disrupt NF1 protein function. In summary, the available evidence is currently insufficient to determine the role of this variant in disease. Therefore, it has been classified as a Variant of Uncertain Significance. This variant has not been reported in the literature in individuals affected with NF1-related conditions. This variant is not present in population databases (gnomAD no frequency). This sequence change replaces proline, which is neutral and non-polar, with arginine, which is basic and polar, at codon 1528 of the NF1 protein (p.Pro1528Arg).

NM_001042492.3(NF1):c.4646C>G (p.Pro1549Arg)

Gene: NF1 (neurofibromin 1; plus strand). Cytogenetic location: 17q11.2.
Variant type: single nucleotide variant.
Coding change: c.4646C>G on transcript NM_001042492.3 (MANE Select); coding-DNA position 4646, C replaced by G.
Protein change: p.Pro1549Arg; replaces proline 1549 with arginine.
Molecular consequence: missense variant.
Genome position (GRCh38, 1-based): chr17:31,261,779, C>G. VCF-style: chr17-31261779-C-G. GRCh37 (hg19) VCF-style: chr17-29588797-C-G.
Other names: c.4583C>G, p.Pro1528Arg (NM_000267.4); short protein forms P1549R, P1528R.
Identifiers: ClinVar variation 1378313 (VCV001378313.6), dbSNP rs2151466351, ClinGen allele CA399000347.